The following is an entry in ClinVar:

ClinVar aggregate classification (germline): Uncertain significance (1 of 4 stars; one submission).

Conditions:
LRRC45-related disorder. Also called: LRRC45-related condition.

gnomAD v4.1: 32 of 1,609,872 alleles (0.002%); highest among the groups gnomAD compares: Middle Eastern, 0.05%; no homozygotes.

Submission:

PreventionGenetics, part of Exact Sciences
Classification: Uncertain significance for LRRC45-related condition. Last evaluated: 2025-11-17. Review status: criteria provided, single submitter. Criteria: ACMG Guidelines, 2015. Collection method: clinical testing. Allele origin: germline.
Comment: The LRRC45 c.836C>T variant is predicted to result in the amino acid substitution p.Ala279Val. To our knowledge, this variant has not been reported in the literature. This variant is reported in 0.012% of alleles in individuals of Latino descent in gnomAD. At this time, the clinical significance of this variant is uncertain due to the absence of conclusive functional and genetic evidence.

NM_144999.4(LRRC45):c.836C>T (p.Ala279Val)

Gene: LRRC45 (leucine rich repeat containing 45; plus strand). Cytogenetic location: 17q25.3.
Variant type: single nucleotide variant.
Coding change: c.836C>T on transcript NM_144999.4 (MANE Select); coding-DNA position 836, C replaced by T.
Protein change: p.Ala279Val; replaces alanine 279 with valine.
Molecular consequence: missense variant.
Genome position (GRCh38, 1-based): chr17:82,027,676, C>T. VCF-style: chr17-82027676-C-T. GRCh37 (hg19) VCF-style: chr17-79985552-C-T.
Other names: short protein forms A279V.
Identifiers: ClinVar variation 4988737 (VCV004988737.1).